The following is an entry in ClinVar:

ClinVar aggregate classification (germline): Uncertain significance (1 of 4 stars; one submission).

Submission:

Greenwood Genetic Center Diagnostic Laboratories, Greenwood Genetic Center
Classification: Uncertain significance. Last evaluated: 2024-01-22. Review status: criteria provided, single submitter. Criteria: ACMG Guidelines, 2015. Collection method: clinical testing. Allele origin: germline. Affected: yes.
Comment: Gene of Uncertain Significance

NM_144651.5(PXDNL):c.2998G>A (p.Glu1000Lys)

Gene: PXDNL (peroxidasin like; minus strand). Cytogenetic location: 8q11.22.
Variant type: single nucleotide variant.
Coding change: c.2998G>A on transcript NM_144651.5 (MANE Select); coding-DNA position 2998, G replaced by A.
Protein change: p.Glu1000Lys; replaces glutamic acid 1000 with lysine.
Molecular consequence: missense variant.
Genome position (GRCh38, 1-based): chr8:51,408,626, C>T on the plus strand (G>A on the coding strand, the complement: PXDNL is on the minus strand). VCF-style: chr8-51408626-C-T. GRCh37 (hg19) VCF-style: chr8-52321186-C-T.
Other names: short protein forms E1000K.
Identifiers: ClinVar variation 3235847 (VCV003235847.1), dbSNP rs2537052822, ClinGen allele CA370968503.
Genomic context (GRCh38, chr8:51,408,626, plus strand): 5'-TAGGCAGCCAGTGGCTGTAGGTGATGTGCTGCAGCTCCGCGCCCACGATCTTCCTGGCTT[C>T]CTGGTAAACCGTGTTTCCCTCCCAGTGGGGGTTCAGGGCGGACAGCTCCGTGGCCATCCT-3'
Protein context (NP_653252.4, residues 990-1010): PHWEGNTVYQ[Glu1000Lys]ARKIVGAELQ